The following is an entry in ClinVar:

NM_000082.4(ERCC8):c.-3G>A

Gene: ERCC8 (ERCC excision repair 8, CSA ubiquitin ligase complex subunit; minus strand). Cytogenetic location: 5q12.1.
Variant type: single nucleotide variant.
Coding change: c.-3G>A on transcript NM_000082.4 (MANE Select); 3 bases upstream of the start codon, G replaced by A.
Molecular consequence: 5 prime UTR variant.
Genome position (GRCh38, 1-based): chr5:60,945,011, C>T on the plus strand (G>A on the coding strand, the complement: ERCC8 is on the minus strand). VCF-style: chr5-60945011-C-T. GRCh37 (hg19) VCF-style: chr5-60240838-C-T.
Other names: c.-395G>A (NM_001007233.3); c.-3G>A (NM_001007234.3, NM_000082.3); c.-380G>A (NM_001290285.2).
Identifiers: ClinVar variation 288784 (VCV000288784.7), dbSNP rs199968351, ClinGen allele CA3277996.

ClinVar aggregate classification (germline): Uncertain significance. Review status: criteria provided, single submitter (1 of 4 stars). 2 submissions from 2 submitters: Uncertain significance (1). 1 of the submissions does not count toward it. Last evaluated 2016-06-22.

Conditions:
ERCC8-related disorder. Also called: ERCC8-related condition.

Allele frequency attached by ClinVar (database versions not stated): 1000 Genomes Project 30x 0.00031; gnomAD 0.00001; TOPMed 0.00002; 1000 Genomes Project 0.00020.

Submissions (2):

Eurofins Ntd Llc (ga)
Classification: Uncertain significance. Last evaluated: 2016-06-22. Review status: criteria provided, single submitter. Criteria: EGL Classification Definitions 2015. Collection method: clinical testing. Allele origin: germline. Observed: 1 variant allele, 1 heterozygote.

PreventionGenetics, part of Exact Sciences
Classification: Likely benign for ERCC8-related condition. Last evaluated: 2021-03-19. Review status: no assertion criteria provided. Collection method: clinical testing. Allele origin: germline. Not counted in ClinVar's aggregate classification.
Comment: This variant is classified as likely benign based on ACMG/AMP sequence variant interpretation guidelines (Richards et al. 2015 PMID: 25741868, with internal and published modifications).